The following is an entry in ClinVar:

NC_000023.11:g.18650511C>G

Genes: CDKL5 (cyclin dependent kinase like 5; plus strand), RS1 (retinoschisin 1; minus strand). Cytogenetic location: Xp22.13.
Variant type: single nucleotide variant.
Molecular consequence: intron variant (on NM_000330.4). On other transcripts: missense variant (2).
Genome position: GRCh38 VCF-style: chrX-18650511-C-G. GRCh37 (hg19) VCF-style: chrX-18668631-C-G.
Other names: c.2899C>G, p.Leu967Val (NM_001037343.2, NM_003159.3); c.185-3179G>C (NM_000330.4); short protein forms L967V.
Identifiers: ClinVar variation 2660106 (VCV002660106.24), dbSNP rs769305518, ClinGen allele CA10360745.

ClinVar aggregate classification (germline): Likely benign. Review status: criteria provided, multiple submitters, no conflicts (2 of 4 stars). 2 submissions from 2 submitters: Likely benign (2). Last evaluated 2024-06-17.

Conditions:
Developmental and epileptic encephalopathy, 2 (DEE2). Also called: INFANTILE SPASM SYNDROME, X-LINKED 2; CDKL5 deficiency disorder. Identifiers: Orphanet 1934, Orphanet 3451, Orphanet 505652, MedGen C4750718, MONDO:0010396, OMIM 300672.
Angelman syndrome-like. Identifiers: MedGen CN128785.

Allele frequency attached by ClinVar (database versions not stated): gnomAD 0.00001; TOPMed below 0.00001; ExAC 0.00001.
gnomAD v4.1: 3 of 1,210,651 alleles (0.00025%); highest among the groups gnomAD compares: Non-Finnish European, 0.00011%; no homozygotes.

Submissions (2):

Labcorp Genetics (formerly Invitae), Labcorp
Classification: Likely benign for Developmental and epileptic encephalopathy, 2; Angelman syndrome-like. Last evaluated: 2024-06-17. Review status: criteria provided, single submitter. Criteria: Invitae Variant Classification Sherloc (09022015). Collection method: clinical testing. Allele origin: germline.

CeGaT Center for Human Genetics Tuebingen
Classification: Likely benign. Last evaluated: 2023-05-01. Review status: criteria provided, single submitter. Criteria: CeGaT Center For Human Genetics Tuebingen Variant Classification Criteria Version 2. Collection method: clinical testing. Allele origin: germline. Affected: yes. Observed: 1 variant allele.
Comment: CDKL5: BP4, BS2